The following is an entry in ClinVar:

ClinVar aggregate classification (germline): Pathogenic/Likely pathogenic. Review status: criteria provided, multiple submitters, no conflicts (2 of 4 stars). 3 submissions from 3 submitters: Pathogenic (2); Likely pathogenic (1). Last evaluated 2026-01-07.

Conditions:
Hermansky-Pudlak syndrome (HPS). Also called: ALBINISM WITH HEMORRHAGIC DIATHESIS AND PIGMENTED RETICULOENDOTHELIAL CELLS. Identifiers: Orphanet 79430, MedGen C0079504, MONDO:0019312.
HPS5-related disorder. Also called: HPS5-related condition.

Submissions (3):

PreventionGenetics, part of Exact Sciences
Classification: Likely pathogenic for HPS5-related condition. Last evaluated: 2026-01-07. Review status: criteria provided, single submitter. Criteria: ACMG Guidelines, 2015. Collection method: clinical testing. Allele origin: germline.
Comment: The HPS5 c.82dupC variant is predicted to result in a frameshift and premature protein termination (p.Leu28Profs*59). To our knowledge, this variant has not been reported in the literature. This variant is reported in 0.014% of alleles in individuals of Latino descent in gnomAD. Frameshift variants in HPS5 are expected to be pathogenic. This variant is interpreted as likely pathogenic.

Labcorp Genetics (formerly Invitae), Labcorp
Classification: Pathogenic. Last evaluated: 2025-09-26. Review status: criteria provided, single submitter. Criteria: Invitae Variant Classification Sherloc (09022015). Collection method: clinical testing. Allele origin: germline.
Comment: This sequence change creates a premature translational stop signal (p.Leu28Profs*59) in the HPS5 gene. It is expected to result in an absent or disrupted protein product. Loss-of-function variants in HPS5 are known to be pathogenic (PMID: 12548288, 15296495, 21833017, 26785811). This variant is present in population databases (rs767560852, gnomAD 0.01%). This variant has not been reported in the literature in individuals affected with HPS5-related conditions. ClinVar contains an entry for this variant (Variation ID: 2736597). For these reasons, this variant has been classified as Pathogenic.

Women's Health and Genetics/Laboratory Corporation of America, LabCorp
Classification: Pathogenic for Hermansky-Pudlak syndrome. Last evaluated: 2024-12-31. Review status: criteria provided, single submitter. Criteria: LabCorp Variant Classification Summary - May 2015. Collection method: clinical testing. Allele origin: germline.
Comment: Variant summary: HPS5 c.82dupC (p.Leu28ProfsX59) results in a premature termination codon, predicted to cause a truncation of the encoded protein or absence of the protein due to nonsense mediated decay, which are commonly known mechanisms for disease. The variant allele was found at a frequency of 2e-05 in 250870 control chromosomes. To our knowledge, no occurrence of c.82dupC in individuals affected with Hermansky-Pudlak Syndrome and no experimental evidence demonstrating its impact on protein function have been reported. ClinVar contains an entry for this variant (Variation ID: 2736597). Based on the evidence outlined above, the variant was classified as pathogenic.

Literature cited by the submitters: PubMed 12548288 (cited by Labcorp Genetics (formerly Invitae), Labcorp); PubMed 15296495 (cited by Labcorp Genetics (formerly Invitae), Labcorp); PubMed 21833017 (cited by Labcorp Genetics (formerly Invitae), Labcorp); PubMed 26785811 (cited by Labcorp Genetics (formerly Invitae), Labcorp).

NM_181507.2(HPS5):c.82dup (p.Leu28fs)

Gene: HPS5 (HPS5 biogenesis of lysosomal organelles complex 2 subunit 2; minus strand). Cytogenetic location: 11p15.1.
Variant type: Duplication.
Coding change: c.82dup on transcript NM_181507.2 (MANE Select); coding-DNA position 82, one base duplicated (C; older notation c.82dupC).
Protein change: p.Leu28fs; shifts the reading frame from leucine 28.
Molecular consequence: frameshift variant. On other transcripts: 5 prime UTR variant (3), intron variant (14).
Genome position (GRCh38, 1-based): chr11:18,317,777, G duplicated on the plus strand (C on the coding strand, the reverse complement: HPS5 is on the minus strand); the first of 3 consecutive G bases (chr11:18,317,777-18,317,779); duplicating any one gives the same sequence. VCF-style (leftmost placement, unchanged base first): chr11-18317776-A-AG. GRCh37 (hg19) VCF-style: chr11-18339323-A-AG.
Other names: c.82dupC (NM_181507.2, NM_181507.1); c.82dup, p.Leu28fs (NM_001440902.1, NM_001440903.1, NM_001440904.1 and 9 more transcripts); c.-110dup (NM_001440907.1, NM_001440908.1, NM_001440918.1); c.-124+4356dup (NM_001440929.1); c.-235+4356dup (NM_181508.2, NM_001440921.1); c.-124+4300dup (NM_001440926.1); c.-235+4300dup (NM_001440925.1, NM_001440920.1); c.-124+4169dup (NM_001440928.1, NM_001440922.1); and 2 more; short protein forms L28fs.
Identifiers: ClinVar variation 2736597 (VCV002736597.5), dbSNP rs767560852, ClinGen allele CA5910583.